The following is an entry in ClinVar:

NM_000271.5(NPC1):c.1351G>A (p.Glu451Lys)

Gene: NPC1 (NPC intracellular cholesterol transporter 1; minus strand). Cytogenetic location: 18q11.2.
Variant type: single nucleotide variant.
Coding change: c.1351G>A on transcript NM_000271.5 (MANE Select); coding-DNA position 1351, G replaced by A.
Protein change: p.Glu451Lys; replaces glutamic acid 451 with lysine.
Molecular consequence: missense variant.
Genome position (GRCh38, 1-based): chr18:23,554,960, C>T on the plus strand (G>A on the coding strand, the complement: NPC1 is on the minus strand). VCF-style: chr18-23554960-C-T. GRCh37 (hg19) VCF-style: chr18-21134924-C-T.
Other names: p.Glu451Lys; short protein forms E451K.
Identifiers: ClinVar variation 554990 (VCV000554990.39), dbSNP rs781065429, ClinGen allele CA8913476.

ClinVar aggregate classification (germline): Conflicting classifications of pathogenicity. Review status: criteria provided, conflicting classifications (1 of 4 stars). 8 submissions from 8 submitters: Pathogenic (3); Likely pathogenic (3); Uncertain significance (1). 1 of the submissions does not count toward it. Last evaluated 2026-03-11.

Conditions:
Niemann-Pick disease, type C (NPC). Identifiers: Orphanet 646, MedGen C0220756, MONDO:0018982.
Niemann-Pick disease, type C1. Also called: NEUROVISCERAL STORAGE DISEASE WITH VERTICAL SUPRANUCLEAR OPHTHALMOPLEGIA; NIEMANN-PICK DISEASE WITH CHOLESTEROL ESTERIFICATION BLOCK; NIEMANN-PICK DISEASE WITHOUT SPHINGOMYELINASE DEFICIENCY; NIEMANN-PICK DISEASE, CHRONIC NEURONOPATHIC FORM; NIEMANN-PICK DISEASE, VARIANT TYPE C1. Identifiers: Orphanet 646, MedGen C3179455, MONDO:0009757, OMIM 257220.

Allele frequency attached by ClinVar (database versions not stated): gnomAD 0.00002; TOPMed 0.00002; gnomAD exomes 0.00004; ExAC 0.00006.
gnomAD v4.1: 58 of 1,612,928 alleles (0.0036%); highest among the groups gnomAD compares: South Asian, 0.03%; no homozygotes.

Submissions (8):

Women's Health and Genetics/Laboratory Corporation of America, LabCorp
Classification: Pathogenic for Niemann-Pick disease, type C. Last evaluated: 2026-03-11. Review status: criteria provided, single submitter. Criteria: LabCorp Variant Classification Summary - May 2015. Collection method: clinical testing. Allele origin: germline.
Comment: Variant summary: NPC1 c.1351G>A (p.Glu451Lys) results in a conservative amino acid change in the encoded protein sequence. Algorithms developed to predict the effect of missense changes on protein structure and function are either unavailable or do not agree on the potential impact of this missense change. The variant allele was found at a frequency of 4e-05 in 251370 control chromosomes. This frequency is not significantly higher than estimated for disease-causing variants in NPC1, allowing no conclusion about variant significance. c.1351G>A has been observed in multiple individuals affected with Niemann-Pick Disease Type C (e.g. Tarugi_2002, Benussi_2019, Wang_2025). These data indicate that the variant is very likely to be associated with disease. To our knowledge, no experimental evidence demonstrating an impact on protein function has been reported. The following publications have been ascertained in the context of this evaluation (PMID: 31497485, 28222799, 26771826, 26790753, 12401890, 40355959). ClinVar contains an entry for this variant (Variation ID: 554990). Based on the evidence outlined above, the variant was classified as pathogenic.

Natera, Inc.
Classification: Likely pathogenic for Niemann-Pick disease type C1. Last evaluated: 2025-12-15. Review status: criteria provided, single submitter. Criteria: Natera Variant Classification Schema (03/2026). Collection method: clinical testing. Allele origin: germline.
Comment: The c.1351G>A variant in NPC1 is a missense variant predicted to cause substitution of glutamic acid to lysine at amino acid 451. This variant is rare in the general population with a frequency below the threshold expected for the associated phenotype(s). This variant has been observed in one or more individuals affected with the associated recessive disease, as either homozygous or compound heterozygous with a second variant (PMID: 26790753, 12401890). Additionally, this variant has been observed to segregate in affected family members (PMID: 26790753). This variant has been identified in one or more affected individuals with a phenotype highly consistent with the associated gene (PMID:12401890). Given the available evidence, this variant is classified as Likely Pathogenic.

Labcorp Genetics (formerly Invitae), Labcorp
Classification: Pathogenic for Niemann-Pick disease, type C1. Last evaluated: 2025-11-16. Review status: criteria provided, single submitter. Criteria: Invitae Variant Classification Sherloc (09022015). Collection method: clinical testing. Allele origin: germline.
Comment: This sequence change replaces glutamic acid, which is acidic and polar, with lysine, which is basic and polar, at codon 451 of the NPC1 protein (p.Glu451Lys). This variant is present in population databases (rs781065429, gnomAD 0.03%). This missense change has been observed in individual(s) with Niemann-Pick, Type C (PMID: 26790753). It has also been observed to segregate with disease in related individuals. ClinVar contains an entry for this variant (Variation ID: 554990). Invitae Evidence Modeling of protein sequence and biophysical properties (such as structural, functional, and spatial information, amino acid conservation, physicochemical variation, residue mobility, and thermodynamic stability) indicates that this missense variant is not expected to disrupt NPC1 protein function with a negative predictive value of 95%. For these reasons, this variant has been classified as Pathogenic.

Mayo Clinic Laboratories, Mayo Clinic
Classification: Likely pathogenic. Last evaluated: 2025-07-08. Review status: criteria provided, single submitter. Criteria: ACMG Guidelines, 2015. Collection method: clinical testing. Allele origin: germline. Observed: 1 variant allele.
Comment: PP1_strong, PM2_supporting, PM3

CeGaT Center for Human Genetics Tuebingen
Classification: Pathogenic. Last evaluated: 2024-09-01. Review status: criteria provided, single submitter. Criteria: CeGaT Center For Human Genetics Tuebingen Variant Classification Criteria Version 2. Collection method: clinical testing. Allele origin: germline. Affected: yes. Observed: 1 variant allele.
Comment: NPC1: PM3:Very Strong, PM2

Laboratory of Medical Genetics, National & Kapodistrian University of Athens
Classification: Likely pathogenic for Niemann-Pick disease, type C1. Last evaluated: 2024-02-01. Review status: criteria provided, single submitter. Criteria: ACMG Guidelines, 2015. Collection method: curation. Allele origin: germline. Affected: no.

Baylor Genetics
Classification: Uncertain significance for Niemann-Pick disease, type C1. Last evaluated: 2019-01-17. Review status: criteria provided, single submitter. Criteria: ACMG Guidelines, 2015. Collection method: clinical testing. Allele origin: inherited. Affected: yes.
Comment: This variant was determined to be of uncertain significance according to ACMG Guidelines, 2015 [PMID:25741868].

Counsyl
Classification: Uncertain significance for Niemann-Pick disease, type C1. Last evaluated: 2017-11-10. Review status: no assertion criteria provided. Collection method: clinical testing. Allele origin: unknown. Not counted in ClinVar's aggregate classification.

Literature cited by the submitters: PubMed 12401890 (cited by 4 submitters); PubMed 28222799 (cited by 3 submitters); PubMed 26790753 (cited by 4 submitters); PubMed 31497485 (cited by Women's Health and Genetics/Laboratory Corporation of America, LabCorp and Mayo Clinic Laboratories, Mayo Clinic); PubMed 26771826 (cited by Women's Health and Genetics/Laboratory Corporation of America, LabCorp); PubMed 40355959 (cited by Women's Health and Genetics/Laboratory Corporation of America, LabCorp); PubMed 32138288 (cited by Mayo Clinic Laboratories, Mayo Clinic); PubMed 27238017 (cited by Counsyl).